The following is an entry in ClinVar:

NM_000035.4(ALDOB):c.306_317dup (p.Val104_Ile107dup)

Gene: ALDOB (aldolase, fructose-bisphosphate B; minus strand). Cytogenetic location: 9q31.1.
Variant type: Duplication.
Coding change: c.306_317dup on transcript NM_000035.4 (MANE Select); coding-DNA positions 306 to 317, 12 bases duplicated (GATCGTGGTGGG).
Protein change: p.Val104_Ile107dup.
Molecular consequence: inframe insertion.
Genome position (GRCh38, 1-based): chr9:101,429,762-101,429,773, CCCACCACGATC duplicated on the plus strand (GATCGTGGTGGG on the coding strand, the reverse complement: ALDOB is on the minus strand); duplicating any 12 consecutive bases within chr9:101,429,762-101,429,776 gives the same sequence; the c. name uses the placement nearest the transcript's 3' end. VCF-style (leftmost placement, unchanged base first): chr9-101429761-T-TCCCACCACGATC. GRCh37 (hg19) VCF-style: chr9-104192043-T-TCCCACCACGATC.
Identifiers: ClinVar variation 1065869 (VCV001065869.7), dbSNP rs1376128325, ClinGen allele CA590045539.

ClinVar aggregate classification (germline): Uncertain significance. Review status: criteria provided, single submitter (1 of 4 stars). 2 submissions from 2 submitters: Uncertain significance (1). 1 of the submissions does not count toward it. Last evaluated 2024-08-30.

Conditions:
Hereditary fructosuria. Also called: ALDOB DEFICIENCY; ALDOLASE B DEFICIENCY; FRUCTOSE-1,6-BISPHOSPHATE ALDOLASE B DEFICIENCY; FRUCTOSE-1-PHOSPHATE ALDOLASE DEFICIENCY; FRUCTOSEMIA; Fructose intolerance. Identifiers: Orphanet 469, MedGen C0016751, MONDO:0009249, OMIM 229600, HP:0005973. Disease mechanism: loss of function.

Submissions (2):

Labcorp Genetics (formerly Invitae), Labcorp
Classification: Uncertain significance for Hereditary fructosuria. Last evaluated: 2024-08-30. Review status: criteria provided, single submitter. Criteria: Invitae Variant Classification Sherloc (09022015). Collection method: clinical testing. Allele origin: germline.
Comment: This variant, c.306_317dup, results in the insertion of 4 amino acid(s) of the ALDOB protein (p.Val104_Ile107dup), but otherwise preserves the integrity of the reading frame. This variant is present in population databases (no rsID available, gnomAD 0.002%). This variant has been observed in individual(s) with hereditary fructose intolerance (internal data). In at least one individual the data is consistent with being in trans (on the opposite chromosome) from a pathogenic variant. ClinVar contains an entry for this variant (Variation ID: 1065869). Algorithms developed to predict the effect of sequence changes on RNA splicing suggest that this variant may disrupt the consensus splice site. In summary, the available evidence is currently insufficient to determine the role of this variant in disease. Therefore, it has been classified as a Variant of Uncertain Significance.

ATS em Genética Clínica, Universidade Federal do Rio Grande do Sul
Classification: Likely pathogenic for Hereditary fructosuria. Last evaluated: 2021-03-18. Review status: no assertion criteria provided. Collection method: literature only. Allele origin: unknown. Affected: yes. Not counted in ClinVar's aggregate classification.

Literature cited by the submitters: PubMed 16406649 (cited by ATS em Genética Clínica, Universidade Federal do Rio Grande do Sul).